The following is an entry in ClinVar:

ClinVar aggregate classification (germline): Conflicting classifications of pathogenicity. Review status: criteria provided, conflicting classifications (1 of 4 stars). 4 submissions from 4 submitters: Pathogenic (1); Likely pathogenic (2); Uncertain significance (1). Last evaluated 2024-05-21.

Conditions:
NSD1-related disorder. Also called: NSD1-related condition.
Sotos syndrome (SOTOS). Also called: Distinctive facial appearance, overgrowth in childhood, and learning disabilities or delayed development; CEREBRAL GIGANTISM; Sotos' syndrome; CHROMOSOME 5q35 DELETION SYNDROME; SOTOS SYNDROME 1. Identifiers: Orphanet 821, MedGen C0175695, MONDO:0019349, OMIM 117550.

Allele frequency attached by ClinVar (database versions not stated): gnomAD exomes below 0.00001.
gnomAD v4.1: 2 of 1,614,014 alleles (0.00012%); highest among the groups gnomAD compares: Admixed American, 0.0017%; no homozygotes.

Submissions (4):

Blueprint Genetics
Classification: Likely pathogenic for NSD1-related disorders. Last evaluated: 2024-05-21. Review status: criteria provided, single submitter. Criteria: ACMG Guidelines, 2015. Collection method: clinical testing. Allele origin: germline. Affected: yes. Observed: 1 variant allele.

Genome-Nilou Lab
Classification: Likely pathogenic for Sotos syndrome. Last evaluated: 2021-07-15. Review status: criteria provided, single submitter. Criteria: ACMG Guidelines, 2015. Collection method: clinical testing. Allele origin: germline. Affected: no.

GeneDx
Classification: Uncertain significance. Last evaluated: 2020-08-04. Review status: criteria provided, single submitter. Criteria: GeneDx Variant Classification Process June 2021. Collection method: clinical testing. Allele origin: germline. Affected: yes.
Comment: In silico analysis supports that this missense variant has a deleterious effect on protein structure/function; This variant is associated with the following publications: (PMID: 15942875)

Genetic Services Laboratory, University of Chicago
Classification: Pathogenic for Sotos syndrome 1. Last evaluated: 2013-02-08. Review status: criteria provided, single submitter. Criteria: ACMG Guidelines, 2007. Collection method: clinical testing. Allele origin: germline. Inheritance: Autosomal dominant inheritance. Affected: yes.

NM_022455.5(NSD1):c.4987C>T (p.Arg1663Cys)

Gene: NSD1 (nuclear receptor binding SET domain protein 1; plus strand). Cytogenetic location: 5q35.3.
Variant type: single nucleotide variant.
Coding change: c.4987C>T on transcript NM_022455.5 (MANE Select); coding-DNA position 4987, C replaced by T.
Protein change: p.Arg1663Cys; replaces arginine 1663 with cysteine.
Molecular consequence: missense variant.
Genome position (GRCh38, 1-based): chr5:177,260,009, C>T. VCF-style: chr5-177260009-C-T. GRCh37 (hg19) VCF-style: chr5-176687010-C-T.
Other names: c.4114C>T, p.Arg1372Cys (NM_001365684.2, NM_001409308.1, NM_001409309.1 and 1 more transcripts); c.4987C>T, p.Arg1663Cys (NM_001409301.1, NM_001409302.1, NM_001409303.1); c.4567C>T, p.Arg1523Cys (NM_001409304.1); c.4234C>T, p.Arg1412Cys (NM_001409305.1); c.4225C>T, p.Arg1409Cys (NM_001409306.1, NM_001409307.1); short protein forms R1663C, R1394C, R1372C, R1409C, R1412C, R1523C.
Identifiers: ClinVar variation 159355 (VCV000159355.11), dbSNP rs587784134, ClinGen allele CA294927.